The following is an entry in ClinVar:

NM_152564.5(VPS13B):c.9184-1G>A

Gene: VPS13B (vacuolar protein sorting 13 homolog B; plus strand). Cytogenetic location: 8q22.2.
Variant type: single nucleotide variant.
Coding change: c.9184-1G>A on transcript NM_152564.5 (MANE Select); the canonical splice acceptor site of the intron before coding-DNA position 9184, G replaced by A.
Molecular consequence: splice acceptor variant.
Genome position (GRCh38, 1-based): chr8:99,823,831, G>A. VCF-style: chr8-99823831-G-A. GRCh37 (hg19) VCF-style: chr8-100836059-G-A.
Other names: c.9259-1G>A (NM_017890.5).
Identifiers: ClinVar variation 2815499 (VCV002815499.3), dbSNP rs1436832739, ClinGen allele CA371779697.

ClinVar aggregate classification (germline): Likely pathogenic (1 of 4 stars; one submission).

Conditions:
Cohen syndrome (COH1). Also called: Cutis verticis gyrata, retinitis pigmentosa, and sensorineural deafness; PEPPER SYNDROME. Identifiers: Orphanet 193, MedGen C0265223, MONDO:0008999, OMIM 216550.

Allele frequency attached by ClinVar (database versions not stated): gnomAD exomes below 0.00001.
gnomAD v4.1: 1 of 1,613,190 alleles (0.000062%); highest among the groups gnomAD compares: Non-Finnish European, 0.000085%; no homozygotes.

Submission:

Labcorp Genetics (formerly Invitae), Labcorp
Classification: Likely pathogenic for Cohen syndrome. Last evaluated: 2022-11-20. Review status: criteria provided, single submitter. Criteria: Invitae Variant Classification Sherloc (09022015). Collection method: clinical testing. Allele origin: germline.
Comment: This sequence change affects an acceptor splice site in intron 50 of the VPS13B gene. It is expected to disrupt RNA splicing. Variants that disrupt the donor or acceptor splice site typically lead to a loss of protein function (PMID: 16199547), and loss-of-function variants in VPS13B are known to be pathogenic (PMID: 15141358, 16648375, 20461111). In summary, the currently available evidence indicates that the variant is pathogenic, but additional data are needed to prove that conclusively. Therefore, this variant has been classified as Likely Pathogenic. Algorithms developed to predict the effect of sequence changes on RNA splicing suggest that this variant may disrupt the consensus splice site. This variant has not been reported in the literature in individuals affected with VPS13B-related conditions. This variant is present in population databases (no rsID available, gnomAD 0.0009%).

Literature cited by the submitters: PubMed 16199547; PubMed 15141358; PubMed 16648375; PubMed 20461111.